The following is an entry in ClinVar:

ClinVar aggregate classification (germline): Conflicting classifications of pathogenicity. Review status: criteria provided, conflicting classifications (1 of 4 stars). 7 submissions from 6 submitters: Uncertain significance (3); Likely benign (3). 1 of the submissions does not count toward it. Last evaluated 2025-11-25.

Conditions:
RYR1-related disorder. Also called: RYR1-related condition; RYR1-related disorders. Identifiers: MedGen CN239331.
Malignant hyperthermia, susceptibility to, 1 (MHS1). Also called: Malignant hyperthermia suceptibility 1; RYR1-Related Malignant Hyperthermia Susceptibility; Anesthesia related hyperthermia; Malignant hyperpyrexia; Fulminating hyperpyrexia; Pharmacogenic myopathy. Identifiers: Orphanet 423, MedGen C2930980, MONDO:0007783, OMIM 145600.
Congenital multicore myopathy with external ophthalmoplegia (CMYO1B). Also called: Minicore myopathy with external ophthalmoplegia; MULTIMINICORE DISEASE WITH EXTERNAL OPHTHALMOPLEGIA; Congenital myopathy 1B, autosomal recessive; Minicore myopathy; MULTICORE MYOPATHY. Identifiers: Orphanet 598, Orphanet 98905, MedGen C1850674, MONDO:0009712, OMIM 255320, HP:0003789.

Allele frequency attached by ClinVar (database versions not stated): ExAC below 0.00001; gnomAD 0.00006; gnomAD exomes 0.00006 and 0.00010; TOPMed 0.00010.
gnomAD v4.1: 83 of 1,408,552 alleles (0.0059%); highest among the groups gnomAD compares: Middle Eastern, 0.051%; no homozygotes.

Submissions (7):

Labcorp Genetics (formerly Invitae), Labcorp
Classification: Likely benign for RYR1-related disorder. Last evaluated: 2025-11-25. Review status: criteria provided, single submitter. Criteria: Invitae Variant Classification Sherloc (09022015). Collection method: clinical testing. Allele origin: germline.

CeGaT Center for Human Genetics Tuebingen
Classification: Likely benign. Last evaluated: 2022-03-01. Review status: criteria provided, single submitter. Criteria: CeGaT Center For Human Genetics Tuebingen Variant Classification Criteria Version 2. Collection method: clinical testing. Allele origin: germline. Affected: yes. Observed: 1 variant allele.
Comment: RYR1: BP4, BP7

Illumina Laboratory Services, Illumina
Classification: Uncertain significance for Malignant hyperthermia, susceptibility to, 1. Last evaluated: 2018-01-12. Review status: criteria provided, single submitter. Criteria: ICSL Variant Classification Criteria 13 December 2019. Collection method: clinical testing. Allele origin: germline.

Illumina Laboratory Services, Illumina
Classification: Uncertain significance for Congenital multicore myopathy with external ophthalmoplegia. Last evaluated: 2018-01-12. Review status: criteria provided, single submitter. Criteria: ICSL Variant Classification Criteria 13 December 2019. Collection method: clinical testing. Allele origin: germline.

Eurofins Ntd Llc (ga)
Classification: Uncertain significance. Last evaluated: 2017-06-22. Review status: criteria provided, single submitter. Criteria: EGL Classification Definitions 2015. Collection method: clinical testing. Allele origin: germline. Observed: 1 variant allele, 1 heterozygote.

Genetic Services Laboratory, University of Chicago
Classification: Likely benign. Last evaluated: 2015-12-18. Review status: criteria provided, single submitter. Criteria: ACMG Guidelines, 2015. Collection method: clinical testing. Allele origin: germline. Affected: no.

PreventionGenetics, part of Exact Sciences
Classification: Likely benign for RYR1-related condition. Last evaluated: 2022-06-09. Review status: no assertion criteria provided. Collection method: clinical testing. Allele origin: germline. Not counted in ClinVar's aggregate classification.
Comment: This variant is classified as likely benign based on ACMG/AMP sequence variant interpretation guidelines (Richards et al. 2015 PMID: 25741868, with internal and published modifications).

NM_000540.3(RYR1):c.13350G>A (p.Gly4450=)

Gene: RYR1 (ryanodine receptor 1; plus strand). Cytogenetic location: 19q13.2.
Variant type: single nucleotide variant.
Coding change: c.13350G>A on transcript NM_000540.3 (MANE Select); coding-DNA position 13350, G replaced by A.
Protein change: p.Gly4450=; no amino-acid change (glycine 4450 retained).
Molecular consequence: synonymous variant.
Genome position (GRCh38, 1-based): chr19:38,565,684, G>A. VCF-style: chr19-38565684-G-A. GRCh37 (hg19) VCF-style: chr19-39056324-G-A.
Other names: c.13335G>A, p.Gly4445= (NM_001042723.2).
Identifiers: ClinVar variation 329126 (VCV000329126.49), dbSNP rs748743312, ClinGen allele CA059752.